The following is an entry in ClinVar:

ClinVar aggregate classification (germline): Uncertain significance (1 of 4 stars; one submission).

Conditions:
Autosomal recessive limb-girdle muscular dystrophy type R18 (LGMDR18). Also called: Limb-girdle muscular dystrophy, type 2S; Autosomal recessive limb-girdle muscular dystrophy type 2S; MUSCULAR DYSTROPHY, LIMB-GIRDLE, AUTOSOMAL RECESSIVE 18. Identifiers: Orphanet 369840, MedGen C4517996, MONDO:0014144, OMIM 615356.

Submission:

Labcorp Genetics (formerly Invitae), Labcorp
Classification: Uncertain significance for Autosomal recessive limb-girdle muscular dystrophy type R18. Last evaluated: 2022-08-10. Review status: criteria provided, single submitter. Criteria: Invitae Variant Classification Sherloc (09022015). Collection method: clinical testing. Allele origin: germline.
Comment: This variant is not present in population databases (gnomAD no frequency). This sequence change replaces isoleucine, which is neutral and non-polar, with arginine, which is basic and polar, at codon 579 of the TRAPPC11 protein (p.Ile579Arg). This variant has not been reported in the literature in individuals affected with TRAPPC11-related conditions. In summary, the available evidence is currently insufficient to determine the role of this variant in disease. Therefore, it has been classified as a Variant of Uncertain Significance. Algorithms developed to predict the effect of missense changes on protein structure and function (SIFT, PolyPhen-2, Align-GVGD) all suggest that this variant is likely to be disruptive.

NM_021942.6(TRAPPC11):c.1736T>G (p.Ile579Arg)

Gene: TRAPPC11 (trafficking protein particle complex subunit 11; plus strand). Cytogenetic location: 4q35.1.
Variant type: single nucleotide variant.
Coding change: c.1736T>G on transcript NM_021942.6 (MANE Select); coding-DNA position 1736, T replaced by G.
Protein change: p.Ile579Arg; replaces isoleucine 579 with arginine.
Molecular consequence: missense variant.
Genome position (GRCh38, 1-based): chr4:183,685,377, T>G. VCF-style: chr4-183685377-T-G. GRCh37 (hg19) VCF-style: chr4-184606530-T-G.
Other names: c.1736T>G, p.Ile579Arg (NM_199053.3); short protein forms I579R.
Identifiers: ClinVar variation 2099982 (VCV002099982.4), dbSNP rs1735914486, ClinGen allele CA358868508.
Genomic context (GRCh38, chr4:183,685,377, plus strand): 5'-AAACTGCTCAGAAGCTGTGGGCAGACCGAATTTCTCTGGCTGGCAGCAATATTTTCACAA[T>G]AGGAGTACAGGACTTTGTGCCATTTGGTAGGTAGCTAACATCTACAGTACTATTTCAGAG-3'
Protein context (NP_068761.4, residues 569-589): ISLAGSNIFT[Ile579Arg]GVQDFVPFVQ